The following is an entry in ClinVar:

NM_004606.5(TAF1):c.3184C>T (p.Arg1062Cys)

Gene: TAF1 (TATA-box binding protein associated factor 1; plus strand). Cytogenetic location: Xq13.1.
Variant type: single nucleotide variant.
Coding change: c.3184C>T on transcript NM_004606.5 (MANE Select); coding-DNA position 3184, C replaced by T.
Protein change: p.Arg1062Cys; replaces arginine 1062 with cysteine.
Molecular consequence: missense variant. On other transcripts: non-coding transcript variant (9).
Genome position (GRCh38, 1-based): chrX:71,393,433, C>T. VCF-style: chrX-71393433-C-T. GRCh37 (hg19) VCF-style: chrX-70613283-C-T.
Other names: c.3184C>T, p.Arg1062Cys (NM_001286074.2); c.3121C>T, p.Arg1041Cys (NM_138923.4); short protein forms R1041C, R1062C.
Identifiers: ClinVar variation 981425 (VCV000981425.2), dbSNP rs2034677583, ClinGen allele CA413526753.
Genomic context (GRCh38, chrX:71,393,433, plus strand): 5'-GAGGGGCCCATGAGTAAATTTGCCCGTGGATCAAGGTTTTCTGTGGCTGAGCATCAAGAG[C>T]GTTACAAAGAGGAATGTCAGCGCATCTTTGACCTACAGAACAAGTGGGTCGTTTTAGTGC-3'
Protein context (NP_004597.3, residues 1052-1072): SRFSVAEHQE[Arg1062Cys]YKEECQRIFD

ClinVar aggregate classification (germline): Likely pathogenic. Review status: criteria provided, multiple submitters, no conflicts (2 of 4 stars). 2 submissions from 2 submitters: Likely pathogenic (2). Last evaluated 2024-07-01.

Conditions:
Intellectual disability. Also called: intellectual disabilities; Intellectual developmental disorder; Intellectual functioning disability. Identifiers: MedGen C3714756, MeSH D008607, MONDO:0001071, HP:0001249.

Submissions (2):

GeneDx
Classification: Likely pathogenic. Last evaluated: 2024-07-01. Review status: criteria provided, single submitter. Criteria: GeneDx Variant Classification Process June 2021. Collection method: clinical testing. Allele origin: germline. Affected: yes.
Comment: Not observed at significant frequency in large population cohorts (gnomAD); In silico analysis supports that this missense variant has a deleterious effect on protein structure/function; Has not been previously published as pathogenic or benign to our knowledge

Diagnostic Laboratory, Strasbourg University Hospital
Classification: Likely pathogenic for Intellectual disability. Last evaluated: 2020-09-10. Review status: criteria provided, single submitter. Criteria: ACMG Guidelines, 2015. Collection method: clinical testing. Allele origin: maternal. Affected: yes. Observed: 1 hemizygote.